The following is an entry in ClinVar:

NM_000435.3(NOTCH3):c.146G>C (p.Cys49Ser)

Gene: NOTCH3 (notch receptor 3; minus strand). Cytogenetic location: 19p13.12.
Variant type: single nucleotide variant.
Coding change: c.146G>C on transcript NM_000435.3 (MANE Select); coding-DNA position 146, G replaced by C.
Protein change: p.Cys49Ser; replaces cysteine 49 with serine.
Molecular consequence: missense variant.
Genome position (GRCh38, 1-based): chr19:15,197,551, C>G on the plus strand (G>C on the coding strand, the complement: NOTCH3 is on the minus strand). VCF-style: chr19-15197551-C-G. GRCh37 (hg19) VCF-style: chr19-15308362-C-G.
Other names: short protein forms C49S.
Identifiers: ClinVar variation 4886417 (VCV004886417.2).
Genomic context (GRCh38, chr19:15,197,551, plus strand): 5'-GGCACTCACAGGCAGGCAGCCTCCCGGGAGGGCAGCTGGGTGCAACGACCTCCATTTGCA[C>G]ACGGGCTTCCGTCCAGGCAAGGGGGGGCTGTGTGGGGGTGAAGGAAGGTGGAGGATCAGC-3'
Protein context (NP_000426.2, residues 39-59): AAPPCLDGSP[Cys49Ser]ANGGRCTQLP

ClinVar aggregate classification (germline): Likely pathogenic (1 of 4 stars; one submission).

Submission:

Dasa
Classification: Likely pathogenic. Last evaluated: 2025-04-03. Review status: criteria provided, single submitter. Criteria: DASA Assertion Criteria. Collection method: clinical testing. Allele origin: germline.
Comment: NM_000435.3(NOTCH3):c.146G>C (p.Cys49Ser) is a missense variant that results in the substitution of cysteine with serine. The affected residue or protein region has prior evidence supporting clinical relevance. This variant is absent from population databases. Computational evidence supports a deleterious effect. Based on the currently available evidence, this variant is classified as likely pathogenic.